The following is an entry in ClinVar:

ClinVar aggregate classification (germline): Pathogenic. Review status: criteria provided, multiple submitters, no conflicts (2 of 4 stars). 30 submissions from 29 submitters: Pathogenic (28). 2 of the submissions do not count toward it. Last evaluated 2026-04-01.

Conditions:
Neurofibrmatosis type 1.
Neurofibromatosis, type 1 (NF1). Also called: Peripheral type neurofibromatosis; Neurofibromatosis, type I; VON RECKLINGHAUSEN DISEASE; NEUROFIBROMATOSIS, TYPE I, SOMATIC. Identifiers: Orphanet 636, MedGen C0027831, MONDO:0018975, OMIM 162200. Disease mechanism: loss of function.
Juvenile myelomonocytic leukemia (JMML). Also called: LEUKEMIA, JUVENILE MYELOMONOCYTIC, SOMATIC. Identifiers: Orphanet 86834, MedGen C0349639, MONDO:0011908, OMIM 607785, HP:0012209.
Neurofibromatosis-Noonan syndrome (NFNS). Also called: NEUROFIBROMATOSIS WITH NOONAN PHENOTYPE. Identifiers: Orphanet 638, MedGen C2931482, MONDO:0011035, OMIM 601321. Disease mechanism: loss of function.
Café-au-lait macules with pulmonary stenosis (WTSN). Also called: PULMONIC STENOSIS WITH CAFE-AU-LAIT SPOTS. Identifiers: MedGen C0553586, MONDO:0008672, OMIM 193520.
Neurofibromatosis, familial spinal (FSNF). Identifiers: Orphanet 636, MedGen C1834235, MONDO:0008078, OMIM 162210. Disease mechanism: loss of function.
Abnormality of the skin. Identifiers: MedGen C5848159, HP:0000951.
NF1-related disorder. Also called: NF1-related condition. Identifiers: MedGen CN379171.
Hereditary cancer-predisposing syndrome. Also called: Neoplastic Syndromes, Hereditary; Hereditary Cancer Syndrome; Tumor predisposition; Hereditary neoplastic syndrome. Identifiers: Orphanet 140162, MedGen C0027672, MeSH D009386, MONDO:0015356.

Allele frequency attached by ClinVar (database versions not stated): TOPMed below 0.00001; ExAC 0.00001; gnomAD exomes 0.00001.
gnomAD v4.1: 7 of 1,613,824 alleles (0.00043%); highest among the groups gnomAD compares: East Asian, 0.0022%; no homozygotes.

Submissions 1 to 16 of 30:

Department of Genetics, Sultan Qaboos University Hospital
Classification: Pathogenic for Neurofibromatosis, type 1. Last evaluated: 2026-04-01. Review status: criteria provided, single submitter. Criteria: ACMG Guidelines, 2015. Collection method: clinical testing. Allele origin: germline. Affected: yes. Observed: 1 variant allele.
Comment: PVS1,PP5_Very_Strong

Myriad Genetics, Inc.
Classification: Pathogenic for Neurofibromatosis, type 1. Last evaluated: 2026-02-05. Review status: criteria provided, single submitter. Criteria: Myriad Autosomal Dominant, Autosomal Recessive and X-Linked Classification Criteria (2023). Collection method: clinical testing. Allele origin: unknown.
Comment: This variant is considered pathogenic. This variant creates a termination codon and is predicted to result in premature protein truncation.

Labcorp Genetics (formerly Invitae), Labcorp
Classification: Pathogenic for Neurofibromatosis, type 1. Last evaluated: 2026-01-19. Review status: criteria provided, single submitter. Criteria: Invitae Variant Classification Sherloc (09022015). Collection method: clinical testing. Allele origin: germline.
Comment: This sequence change creates a premature translational stop signal (p.Arg440*) in the NF1 gene. It is expected to result in an absent or disrupted protein product. Loss-of-function variants in NF1 are known to be pathogenic (PMID: 10712197, 23913538). This variant is present in population databases (rs778405030, gnomAD 0.006%). This premature translational stop signal has been observed in individuals with neurofibromatosis type 1 (PMID: 7655472, 10543400, 10712197, 10862084, 16835897, 23668869, 24922668). Invitae Evidence Modeling of clinical and family history, age, sex, and reported ancestry of multiple individuals with this NF1 variant has been performed. This variant is expected to be pathogenic with a positive predictive value of at least 99%. This is a validated machine learning model that incorporates the clinical features of 1,785,918 individuals referred to our laboratory for NF1 testing. ClinVar contains an entry for this variant (Variation ID: 230673). For these reasons, this variant has been classified as Pathogenic.

Institute of Human Genetics, University of Leipzig Medical Center
Classification: Pathogenic for Neurofibromatosis, type 1. Last evaluated: 2025-03-04. Review status: criteria provided, single submitter. Criteria: ACMG Guidelines, 2015. Collection method: clinical testing. Allele origin: maternal. Affected: yes.
Comment: Criteria applied: PVS1,PP4,PM2_SUP

Institute for Genomic Medicine (IGM) Clinical Laboratory, Nationwide Children's Hospital
Classification: Pathogenic for Neurofibromatosis, type 1. Last evaluated: 2025-02-10. Review status: criteria provided, single submitter. Criteria: ACMG Guidelines, 2015. Collection method: clinical testing. Allele origin: germline.
Comment: This variant is predicted to result in loss of function through nonsense-mediated decay of the encoded transcript or premature truncation of the encoded protein in a gene in which loss of function is a known mechanism of disease (ACMG/AMP: PVS1; PMIDs:10712197, 23913538). This variant has been reported at an elevated frequency in affected individuals/in multiple affected individuals in the literature (ACMG/AMP: PS4; PMIDs:7655472, 10543400, 10712197, 10862084, 16835897, 23668869, 24922668). This variant is absent from or present at an exceedingly low frequency in gnomAD, a large-scale control population database (ACMG/AMP: PM2).

NHS Central & South Genomic Laboratory Hub
Classification: Pathogenic for Neurofibromatosis type 1. Last evaluated: 2024-11-11. Review status: criteria provided, single submitter. Criteria: ACMG Guidelines, 2015. Collection method: clinical testing. Allele origin: germline. Affected: yes.

Dasa
Classification: Pathogenic. Last evaluated: 2024-11-05. Review status: criteria provided, single submitter. Criteria: DASA Assertion Criteria. Collection method: clinical testing. Allele origin: germline.
Comment: NM_001042492.3(NF1):c.1318C>T (p.Arg440Ter) introduces a premature termination codon predicted to result in loss of normal protein function. Loss-of-function is an established mechanism of disease for this gene. This variant has been recurrently observed in individuals with related phenotype (PMID: 24922668; PMID: 26056819). The variant is present at low frequency in population datasets. Based on the available data, this variant is classified as pathogenic.

Molecular Pathology, Peter Maccallum Cancer Centre
Classification: Pathogenic for Neurofibromatosis, type 1. Last evaluated: 2024-04-14. Review status: criteria provided, single submitter. Criteria: ACMG Guidelines, 2015. Collection method: clinical testing. Allele origin: germline. Inheritance: Autosomal dominant inheritance.

Genomic Medicine Center of Excellence, King Faisal Specialist Hospital and Research Centre
Classification: Pathogenic for Neurofibromatosis, type 1. Last evaluated: 2024-04-04. Review status: criteria provided, single submitter. Criteria: ACMG Guidelines, 2015. Collection method: clinical testing. Allele origin: germline.

ARUP Laboratories, Molecular Genetics and Genomics, ARUP Laboratories
Classification: Pathogenic. Last evaluated: 2024-03-14. Review status: criteria provided, single submitter. Criteria: ARUP Molecular Germline Variant Investigation Process 2024. Collection method: clinical testing. Allele origin: germline.
Comment: The NF1 c.1318C>T; p.Arg440Ter variant (rs778405030) is reported in several individuals affected with neurofibromatosis type 1 (Hirbe 2015, Stewart 2014). It is listed in the ClinVar database (Variation ID: 230673), and is only observed on two alleles in the Genome Aggregation Database, indicating it is not a common polymorphism. This variant induces an early termination codon and is predicted to result in a truncated protein or mRNA subject to nonsense-mediated decay. Based on available information, this variant is considered to be pathogenic. References: Hirbe AC et al. Whole Exome Sequencing Reveals the Order of Genetic Changes during Malignant Transformation and Metastasis in a Single Patient with NF1-plexiform Neurofibroma. Clin Cancer Res. 2015 Sep 15;21(18):4201-11. PMID: 25925892. Stewart DR et al. Jaffe-Campanacci syndrome, revisited: detailed clinical and molecular analyses determine whether patients have neurofibromatosis type 1, coincidental manifestations, or a distinct disorder. Genet Med. 2014 Jun;16(6):448-59. PMID: 24232412.

Mayo Clinic Laboratories, Mayo Clinic
Classification: Pathogenic. Last evaluated: 2023-09-05. Review status: criteria provided, single submitter. Criteria: ACMG Guidelines, 2015. Collection method: clinical testing. Allele origin: germline. Observed: 19 variant alleles.
Comment: PP4, PM2_moderate, PS2, PVS1

Baylor Genetics
Classification: Pathogenic for Juvenile myelomonocytic leukemia. Last evaluated: 2023-08-06. Review status: criteria provided, single submitter. Criteria: ACMG Guidelines, 2015. Collection method: clinical testing. Allele origin: unknown.

Institute of Medical Genetics and Applied Genomics, University Hospital Tübingen
Classification: Pathogenic for Neurofibromatosis, type 1. Last evaluated: 2023-07-19. Review status: criteria provided, single submitter. Criteria: ACMG Guidelines, 2015. Collection method: clinical testing. Allele origin: germline. Inheritance: Autosomal dominant inheritance. Affected: yes.

Blueprint Genetics
Classification: Pathogenic for NF1-related disorders. Last evaluated: 2022-05-12. Review status: criteria provided, single submitter. Criteria: ACMG Guidelines, 2015. Collection method: clinical testing. Allele origin: germline. Affected: yes. Observed: 4 variant alleles.

Genome-Nilou Lab
Classification: Pathogenic for Neurofibromatosis, type 1. Last evaluated: 2022-03-15. Review status: criteria provided, single submitter. Criteria: ACMG Guidelines, 2015. Collection method: clinical testing. Allele origin: germline. Affected: no.

Fulgent Genetics
Classification: Pathogenic for Neurofibromatosis, type 1; Neurofibromatosis, familial spinal; Café-au-lait macules with pulmonary stenosis; Neurofibromatosis-Noonan syndrome; Juvenile myelomonocytic leukemia. Last evaluated: 2022-03-09. Review status: criteria provided, single submitter. Criteria: ACMG Guidelines, 2015. Collection method: clinical testing. Allele origin: unknown.

NM_001042492.3(NF1):c.1318C>T (p.Arg440Ter)

Gene: NF1 (neurofibromin 1; plus strand). Cytogenetic location: 17q11.2.
Variant type: single nucleotide variant.
Coding change: c.1318C>T on transcript NM_001042492.3 (MANE Select); coding-DNA position 1318, C replaced by T.
Protein change: p.Arg440Ter; replaces arginine 440 with a stop codon.
Molecular consequence: nonsense.
Genome position (GRCh38, 1-based): chr17:31,206,297, C>T. VCF-style: chr17-31206297-C-T. GRCh37 (hg19) VCF-style: chr17-29533315-C-T.
Other names: p.Arg440*; c.1318C>T, p.Arg440Ter (NM_001128147.3, NM_000267.4); short protein forms R440*.
Identifiers: ClinVar variation 230673 (VCV000230673.61), dbSNP rs778405030, ClinGen allele CA8485754.